The following is an entry in ClinVar:

ClinVar aggregate classification (germline): Uncertain significance (1 of 4 stars; one submission).

Submission:

Dasa
Classification: Uncertain significance. Last evaluated: 2025-07-10. Review status: criteria provided, single submitter. Criteria: DASA Assertion Criteria. Collection method: clinical testing. Allele origin: germline.
Comment: NM_001287491.2(TET3):c.4418G>A (p.Ser1473Asn) is a missense variant that results in the substitution of serine with asparagine. This variant is absent from population databases. Computational prediction algorithms are consistent with a benign effect. The currently available literature and clinical evidence are not sufficient to establish a definitive association between this variant and the reported condition. Therefore, this variant is classified as a variant of uncertain significance.

NM_001287491.2(TET3):c.4418G>A (p.Ser1473Asn)

Gene: TET3 (tet methylcytosine dioxygenase 3; plus strand). Cytogenetic location: 2p13.1.
Variant type: single nucleotide variant.
Coding change: c.4418G>A on transcript NM_001287491.2 (MANE Select); coding-DNA position 4418, G replaced by A.
Protein change: p.Ser1473Asn; replaces serine 1473 with asparagine.
Molecular consequence: missense variant.
Genome position (GRCh38, 1-based): chr2:74,101,206, G>A. VCF-style: chr2-74101206-G-A. GRCh37 (hg19) VCF-style: chr2-74328333-G-A.
Other names: c.4139G>A, p.Ser1380Asn (NM_001366022.1); short protein forms S1380N, S1473N.
Identifiers: ClinVar variation 4856873 (VCV004856873.2).